The following is an entry in ClinVar:

ClinVar aggregate classification (germline): Uncertain significance (1 of 4 stars; one submission).

Conditions:
Inborn genetic diseases. Identifiers: MedGen C0950123, MeSH D030342.

Submission:

Ambry Genetics
Classification: Uncertain significance for Inborn genetic diseases. Last evaluated: 2025-05-31. Review status: criteria provided, single submitter. Criteria: Ambry Variant Classification Scheme 2023. Collection method: clinical testing. Allele origin: germline.
Comment: The p.L237R variant (also known as c.710T>G), located in coding exon 1 of the SH2B3 gene, results from a T to G substitution at nucleotide position 710. The leucine at codon 237 is replaced by arginine, an amino acid with dissimilar properties. This amino acid position is conserved. In addition, the in silico prediction for this alteration is inconclusive. Based on the available evidence, the clinical significance of this variant remains unclear.

NM_005475.3(SH2B3):c.710T>G (p.Leu237Arg)

Gene: SH2B3 (SH2B adaptor protein 3; plus strand). Cytogenetic location: 12q24.12.
Variant type: single nucleotide variant.
Coding change: c.710T>G on transcript NM_005475.3 (MANE Select); coding-DNA position 710, T replaced by G.
Protein change: p.Leu237Arg; replaces leucine 237 with arginine.
Molecular consequence: missense variant.
Genome position (GRCh38, 1-based): chr12:111,418,855, T>G. VCF-style: chr12-111418855-T-G. GRCh37 (hg19) VCF-style: chr12-111856659-T-G.
Other names: short protein forms L237R.
Identifiers: ClinVar variation 3953535 (VCV003953535.1).
Genomic context (GRCh38, chr12:111,418,855, plus strand): 5'-GGCAGCGCGGGAGGCTGGCGCTGCGCCGGGCCCCGGGCCCCGATGGCCCCGACCGCGTGC[T>G]GGAGCTCTTCGACCCACCCAAGGTAAGTAAGCCCTGCCCGCGGGGTTGCGCACTGCACTG-3'
Protein context (NP_005466.1, residues 227-247): APGPDGPDRV[Leu237Arg]ELFDPPKSSR